The following is an entry in ClinVar:

ClinVar aggregate classification (germline): Likely pathogenic (1 of 4 stars; one submission).

Conditions:
Acute infantile liver failure due to synthesis defect of mtDNA-encoded proteins. Also called: LIVER FAILURE, INFANTILE, TRANSIENT; Liver failure acute infantile; TRMU Deficiency. Identifiers: Orphanet 217371, MedGen C3278664, MONDO:0013111, OMIM 613070.

Submission:

Women's Health and Genetics/Laboratory Corporation of America, LabCorp
Classification: Likely pathogenic for Acute infantile liver failure due to synthesis defect of mtDNA-encoded proteins. Last evaluated: 2022-10-25. Review status: criteria provided, single submitter. Criteria: LabCorp Variant Classification Summary - May 2015. Collection method: clinical testing. Allele origin: germline.
Comment: Variant summary: The variant identified by MLPA or other technology involves the deletion of exons 34-35 in the NBAS gene. A presumed nomenclature of c.(3931+1_3932-1)_(4179+1_4180-1)del has been designated for the purposes of this classification. Although exact breakpoints of this deletion are not known, it is expected to result in a frameshift change in the NBAS gene, a known mechanism of disease. The variant was absent in 21694 control chromosomes (gnomAD, Structural Variants dataset). To our knowledge, no occurrence of c.(3931+1_3932-1)_(4179+1_4180-1)del in individuals affected with Liver Failure Acute Infantile, Type 2 and no experimental evidence demonstrating its impact on protein function have been reported. No clinical diagnostic laboratories have submitted clinical-significance assessments for this variant to ClinVar after 2014. Based on the evidence outlined above, the variant was classified as likely pathogenic.

NC_000002.11:g.(15470890_15492115)_(15493835_15496426)del

Gene: NBAS (NBAS subunit of NRZ tethering complex; minus strand). Cytogenetic location: 2p24.3.
Variant type: Deletion.
Identifiers: ClinVar variation 1723387 (VCV001723387.1).